The following is an entry in ClinVar:

ClinVar aggregate classification (germline): Uncertain significance. Review status: criteria provided, multiple submitters, no conflicts (2 of 4 stars). 2 submissions from 2 submitters: Uncertain significance (2). Last evaluated 2025-02-12.

Conditions:
Inborn genetic diseases. Identifiers: MedGen C0950123, MeSH D030342.

Allele frequency attached by ClinVar (database versions not stated): gnomAD exomes below 0.00001 and 0.00001; gnomAD 0.00001; TOPMed 0.00002.
gnomAD v4.1: 9 of 1,614,046 alleles (0.00056%); highest among the groups gnomAD compares: Non-Finnish European, 0.00076%; no homozygotes.

Submissions (2):

Ambry Genetics
Classification: Uncertain significance for Inborn genetic diseases. Last evaluated: 2025-02-12. Review status: criteria provided, single submitter. Criteria: Ambry Variant Classification Scheme 2023. Collection method: clinical testing. Allele origin: germline.

Labcorp Genetics (formerly Invitae), Labcorp
Classification: Uncertain significance. Last evaluated: 2023-07-10. Review status: criteria provided, single submitter. Criteria: Invitae Variant Classification Sherloc (09022015). Collection method: clinical testing. Allele origin: germline.
Comment: In summary, the available evidence is currently insufficient to determine the role of this variant in disease. Therefore, it has been classified as a Variant of Uncertain Significance. Advanced modeling of protein sequence and biophysical properties (such as structural, functional, and spatial information, amino acid conservation, physicochemical variation, residue mobility, and thermodynamic stability) performed at Invitae indicates that this missense variant is not expected to disrupt SZT2 protein function. ClinVar contains an entry for this variant (Variation ID: 935427). This variant has not been reported in the literature in individuals affected with SZT2-related conditions. The frequency data for this variant in the population databases is considered unreliable, as metrics indicate poor data quality at this position in the gnomAD database. This sequence change replaces threonine, which is neutral and polar, with lysine, which is basic and polar, at codon 1697 of the SZT2 protein (p.Thr1697Lys).

NM_001365999.1(SZT2):c.5261C>A (p.Thr1754Lys)

Gene: SZT2 (SZT2 subunit of KICSTOR complex; plus strand). Cytogenetic location: 1p34.2.
Variant type: single nucleotide variant.
Coding change: c.5261C>A on transcript NM_001365999.1 (MANE Select); coding-DNA position 5261, C replaced by A.
Protein change: p.Thr1754Lys; replaces threonine 1754 with lysine.
Molecular consequence: missense variant.
Genome position (GRCh38, 1-based): chr1:43,431,888, C>A. VCF-style: chr1-43431888-C-A. GRCh37 (hg19) VCF-style: chr1-43897559-C-A.
Other names: c.5090C>A, p.Thr1697Lys (NM_015284.4); short protein forms T1754K, T1697K.
Identifiers: ClinVar variation 935427 (VCV000935427.8), dbSNP rs939453838, ClinGen allele CA21638154.
Genomic context (GRCh38, chr1:43,431,888, plus strand): 5'-CCACCTGCCTTCGCCAAACTCTGCCACTGAGTTTTGTATTTGGGCCAGAGCGTTCCCTCA[C>A]ACAATTCAAGGAGGTAAGTTGCCCTCCAAACACTGCAGGGTCACCTTGGGGCCCGTCCTT-3'
Protein context (NP_001352928.1, residues 1744-1764): SFVFGPERSL[Thr1754Lys]QFKEEFRRLH